The following is an entry in ClinVar:

NM_000393.5(COL5A2):c.1220C>A (p.Thr407Asn)

Gene: COL5A2 (collagen type V alpha 2 chain; minus strand). Cytogenetic location: 2q32.2.
Variant type: single nucleotide variant.
Coding change: c.1220C>A on transcript NM_000393.5 (MANE Select); coding-DNA position 1220, C replaced by A.
Protein change: p.Thr407Asn; replaces threonine 407 with asparagine.
Molecular consequence: missense variant.
Genome position (GRCh38, 1-based): chr2:189,068,823, G>T on the plus strand (C>A on the coding strand, the complement: COL5A2 is on the minus strand). VCF-style: chr2-189068823-G-T. GRCh37 (hg19) VCF-style: chr2-189933549-G-T.
Other names: short protein forms T407N.
Identifiers: ClinVar variation 3495573 (VCV003495573.1).

ClinVar aggregate classification (germline): Uncertain significance (1 of 4 stars; one submission).

Conditions:
Familial thoracic aortic aneurysm and aortic dissection (TAAD). Also called: Thoracic aortic aneurysms and dissections. Identifiers: Orphanet 91387, MedGen C4707243, MONDO:0019625.

Submission:

Ambry Genetics
Classification: Uncertain significance for Familial thoracic aortic aneurysm and aortic dissection. Last evaluated: 2024-07-03. Review status: criteria provided, single submitter. Criteria: Ambry Variant Classification Scheme 2023. Collection method: clinical testing. Allele origin: germline.
Comment: The p.T407N variant (also known as c.1220C>A), located in coding exon 19 of the COL5A2 gene, results from a C to A substitution at nucleotide position 1220. The threonine at codon 407 is replaced by asparagine, an amino acid with similar properties. This amino acid position is well conserved in available vertebrate species. In addition, the in silico prediction for this alteration is inconclusive. Based on the available evidence, the clinical significance of this variant remains unclear.